The following is an entry in ClinVar:

ClinVar aggregate classification (germline): Uncertain significance (1 of 4 stars; one submission).

gnomAD v4.1: 2 of 1,610,106 alleles (0.00012%); highest among the groups gnomAD compares: Non-Finnish European, 0.00017%; no homozygotes.

Submission:

Ambry Genetics
Classification: Uncertain significance. Last evaluated: 2024-08-18. Review status: criteria provided, single submitter. Criteria: Ambry Variant Classification Scheme 2023. Collection method: clinical testing. Allele origin: germline.
Comment: The p.Q1450E variant (also known as c.4348C>G), located in coding exon 16 of the POLQ gene, results from a C to G substitution at nucleotide position 4348. The glutamine at codon 1450 is replaced by glutamic acid, an amino acid with highly similar properties. This amino acid position is conserved. In addition, this alteration is predicted to be tolerated by in silico analysis. Based on the available evidence, the clinical significance of this variant remains unclear.

NM_199420.4(POLQ):c.4348C>G (p.Gln1450Glu)

Gene: POLQ (DNA polymerase theta; minus strand). Cytogenetic location: 3q13.33.
Variant type: single nucleotide variant.
Coding change: c.4348C>G on transcript NM_199420.4 (MANE Select); coding-DNA position 4348, C replaced by G.
Protein change: p.Gln1450Glu; replaces glutamine 1450 with glutamic acid.
Molecular consequence: missense variant.
Genome position (GRCh38, 1-based): chr3:121,488,583, G>C on the plus strand (C>G on the coding strand, the complement: POLQ is on the minus strand). VCF-style: chr3-121488583-G-C. GRCh37 (hg19) VCF-style: chr3-121207430-G-C.
Other names: short protein forms Q1450E.
Identifiers: ClinVar variation 3422499 (VCV003422499.1).
Genomic context (GRCh38, chr3:121,488,583, plus strand): 5'-CAGTGGGAGTTCTCTTTTGAGGAATCAGAAGTATAACTGGTTTCACAGTTTCTTGTGTTT[G>C]ATAACCTTGAAGAAAACTATTTAATTGTGAATCAGTAACAGAAACTTCATTCTTTTTTAA-3'
Protein context (NP_955452.3, residues 1440-1460): SQLNSFLQGY[Gln1450Glu]TQETVKPVIL